The following is an entry in ClinVar:

NM_004783.4(TAOK2):c.3074C>T (p.Ala1025Val)

Gene: TAOK2 (TAO kinase 2; plus strand). Cytogenetic location: 16p11.2.
Variant type: single nucleotide variant.
Coding change: c.3074C>T on transcript NM_004783.4; coding-DNA position 3074, C replaced by T.
Protein change: p.Ala1025Val; replaces alanine 1025 with valine.
Molecular consequence: missense variant.
Genome position (GRCh38, 1-based): chr16:29,991,492, C>T. VCF-style: chr16-29991492-C-T. GRCh37 (hg19) VCF-style: chr16-30002813-C-T.
Other names: short protein forms A1025V.
Identifiers: ClinVar variation 1690707 (VCV001690707.2), dbSNP rs916550664, ClinGen allele CA280406735.

ClinVar aggregate classification (germline): Uncertain significance (1 of 4 stars; one submission).

Allele frequency attached by ClinVar (database versions not stated): gnomAD 0.00003; gnomAD exomes 0.00002; TOPMed 0.00002.
gnomAD v4.1: 37 of 1,477,972 alleles (0.0025%); highest among the groups gnomAD compares: Middle Eastern, 0.02%; no homozygotes.

Submission:

Laboratorio de Genetica e Diagnostico Molecular, Hospital Israelita Albert Einstein
Classification: Uncertain significance. Last evaluated: 2019-10-18. Review status: criteria provided, single submitter. Criteria: ACMG Guidelines, 2015. Collection method: clinical testing. Allele origin: germline. Affected: yes.
Comment: ACMG classification criteria: PM2